The following is an entry in ClinVar:

NM_000179.3(MSH6):c.1180T>C (p.Ser394Pro)

Gene: MSH6 (mutS homolog 6; plus strand). Cytogenetic location: 2p16.3.
Variant type: single nucleotide variant.
Coding change: c.1180T>C on transcript NM_000179.3 (MANE Select); coding-DNA position 1180, T replaced by C.
Protein change: p.Ser394Pro; replaces serine 394 with proline.
Molecular consequence: missense variant.
Genome position (GRCh38, 1-based): chr2:47,799,163, T>C. VCF-style: chr2-47799163-T-C. GRCh37 (hg19) VCF-style: chr2-48026302-T-C.
Other names: c.790T>C, p.Ser264Pro (NM_001281492.2); c.274T>C, p.Ser92Pro (NM_001281493.2, NM_001281494.2); short protein forms S394P, S264P, S92P.
Identifiers: ClinVar variation 455120 (VCV000455120.13), dbSNP rs1553412587, ClinGen allele CA346742370.

ClinVar aggregate classification (germline): Uncertain significance. Review status: criteria provided, multiple submitters, no conflicts (2 of 4 stars). 2 submissions from 2 submitters: Uncertain significance (2). Last evaluated 2022-09-07.

Conditions:
Hereditary nonpolyposis colorectal neoplasms. Identifiers: MedGen C0009405, MeSH D003123.
Hereditary cancer-predisposing syndrome. Also called: Hereditary Cancer Syndrome; Hereditary neoplastic syndrome; Neoplastic Syndromes, Hereditary; Tumor predisposition. Identifiers: Orphanet 140162, MedGen C0027672, MeSH D009386, MONDO:0015356.

Submissions (2):

Labcorp Genetics (formerly Invitae), Labcorp
Classification: Uncertain significance for Hereditary nonpolyposis colorectal neoplasms. Last evaluated: 2022-09-07. Review status: criteria provided, single submitter. Criteria: Invitae Variant Classification Sherloc (09022015). Collection method: clinical testing. Allele origin: germline.
Comment: This variant has not been reported in the literature in individuals affected with MSH6-related conditions. This variant is not present in population databases (gnomAD no frequency). This sequence change replaces serine, which is neutral and polar, with proline, which is neutral and non-polar, at codon 394 of the MSH6 protein (p.Ser394Pro). ClinVar contains an entry for this variant (Variation ID: 455120). Advanced modeling of protein sequence and biophysical properties (such as structural, functional, and spatial information, amino acid conservation, physicochemical variation, residue mobility, and thermodynamic stability) performed at Invitae indicates that this missense variant is not expected to disrupt MSH6 protein function. In summary, the available evidence is currently insufficient to determine the role of this variant in disease. Therefore, it has been classified as a Variant of Uncertain Significance.

Ambry Genetics
Classification: Uncertain significance for Hereditary cancer-predisposing syndrome. Last evaluated: 2019-05-31. Review status: criteria provided, single submitter. Criteria: Ambry Variant Classification Scheme 2023. Collection method: clinical testing. Allele origin: germline.
Comment: The p.S394P variant (also known as c.1180T>C), located in coding exon 4 of the MSH6 gene, results from a T to C substitution at nucleotide position 1180. The serine at codon 394 is replaced by proline, an amino acid with similar properties. This amino acid position is poorly conserved in available vertebrate species. In addition, the in silico prediction for this alteration is inconclusive. In addition, the CoDP in silico tool predicts this alteration to have minor impact on molecular function, with a score of 0.066 (Terui H et al. J. Biomed. Sci. 2013 Apr;20:25). Since supporting evidence is limited at this time, the clinical significance of this alteration remains unclear.